The following is an entry in ClinVar:

NM_015338.6(ASXL1):c.3148A>G (p.Met1050Val)

Gene: ASXL1 (ASXL transcriptional regulator 1; plus strand). Cytogenetic location: 20q11.21.
Variant type: single nucleotide variant.
Coding change: c.3148A>G on transcript NM_015338.6 (MANE Select); coding-DNA position 3148, A replaced by G.
Protein change: p.Met1050Val; replaces methionine 1050 with valine.
Molecular consequence: missense variant.
Genome position (GRCh38, 1-based): chr20:32,435,860, A>G. VCF-style: chr20-32435860-A-G. GRCh37 (hg19) VCF-style: chr20-31023663-A-G.
Other names: c.2965A>G, p.Met989Val (NM_001363734.1); short protein forms M1050V, M989V.
Identifiers: ClinVar variation 734078 (VCV000734078.34), dbSNP rs370804022, ClinGen allele CA9808765.
Genomic context (GRCh38, chr20:32,435,860, plus strand): 5'-GACAAGGATGAGAAACCCAATTGGAACCAATCTGCCCCACTGTCCAAGGTGAATGGTGAC[A>G]TGCGTCTGGTTACAAGGACAGATGGGATGGTTGCTCCTCAGAGCTGGGTGTCTCGAGTAT-3'
Protein context (NP_056153.2, residues 1040-1060): SAPLSKVNGD[Met1050Val]RLVTRTDGMV

ClinVar aggregate classification (germline): Benign/Likely benign. Review status: criteria provided, multiple submitters, no conflicts (2 of 4 stars). 4 submissions from 4 submitters: Benign (1); Likely benign (2). 1 of the submissions does not count toward it. Last evaluated 2024-08-27.

Conditions:
Inborn genetic diseases. Identifiers: MedGen C0950123, MeSH D030342.
ASXL1-related disorder. Also called: ASXL1-related disorders; ASXL1-related condition.

Allele frequency attached by ClinVar (database versions not stated): ExAC 0.00005; ESP Exome Variant Server 0.00008; gnomAD exomes 0.00009 and 0.00021; TOPMed 0.00013; gnomAD 0.00019 and 0.00020.

Submissions (4):

Labcorp Genetics (formerly Invitae), Labcorp
Classification: Benign. Last evaluated: 2024-08-27. Review status: criteria provided, single submitter. Criteria: Invitae Variant Classification Sherloc (09022015). Collection method: clinical testing. Allele origin: germline.

CeGaT Center for Human Genetics Tuebingen
Classification: Likely benign. Last evaluated: 2023-05-01. Review status: criteria provided, single submitter. Criteria: CeGaT Center For Human Genetics Tuebingen Variant Classification Criteria Version 2. Collection method: clinical testing. Allele origin: germline. Affected: yes. Observed: 1 variant allele.
Comment: ASXL1: BP4, BS1

Ambry Genetics
Classification: Likely benign for Inborn genetic diseases. Last evaluated: 2022-03-07. Review status: criteria provided, single submitter. Criteria: Ambry Variant Classification Scheme 2023. Collection method: clinical testing. Allele origin: germline.

PreventionGenetics, part of Exact Sciences
Classification: Likely benign for ASXL1-related condition. Last evaluated: 2021-03-09. Review status: no assertion criteria provided. Collection method: clinical testing. Allele origin: germline. Not counted in ClinVar's aggregate classification.
Comment: This variant is classified as likely benign based on ACMG/AMP sequence variant interpretation guidelines (Richards et al. 2015 PMID: 25741868, with internal and published modifications).